The following is an entry in ClinVar:

ClinVar aggregate classification (germline): Uncertain significance (1 of 4 stars; one submission).

gnomAD v4.1: 3 of 1,614,116 alleles (0.00019%); highest among the groups gnomAD compares: Admixed American, 0.0017%; no homozygotes.

Submission:

Dasa
Classification: Uncertain significance. Last evaluated: 2024-12-14. Review status: criteria provided, single submitter. Criteria: DASA Assertion Criteria. Collection method: clinical testing. Allele origin: germline.
Comment: NM_018728.4(MYO5C):c.1304A>G (p.Asp435Gly) is a missense variant that results in the substitution of aspartic acid with glycine. This variant is rare in population databases. Computational prediction algorithms are consistent with a deleterious effect. The currently available literature and clinical evidence are not sufficient to establish a definitive association between this variant and the reported condition. Therefore, this variant is classified as a variant of uncertain significance.

NM_018728.4(MYO5C):c.1304A>G (p.Asp435Gly)

Gene: MYO5C (myosin VC; minus strand). Cytogenetic location: 15q21.2.
Variant type: single nucleotide variant.
Coding change: c.1304A>G on transcript NM_018728.4 (MANE Select); coding-DNA position 1304, A replaced by G.
Protein change: p.Asp435Gly; replaces aspartic acid 435 with glycine.
Molecular consequence: missense variant.
Genome position (GRCh38, 1-based): chr15:52,260,871, T>C on the plus strand (A>G on the coding strand, the complement: MYO5C is on the minus strand). VCF-style: chr15-52260871-T-C. GRCh37 (hg19) VCF-style: chr15-52553068-T-C.
Other names: short protein forms D435G.
Identifiers: ClinVar variation 4883057 (VCV004883057.2).